The following is an entry in ClinVar:

ClinVar aggregate classification (germline): Likely pathogenic (1 of 4 stars; one submission).

Conditions:
X-linked Alport syndrome (ATS1). Also called: COL4A5-Related Nephropathy; NEPHROPATHY AND DEAFNESS, X-LINKED. Identifiers: Orphanet 63, Orphanet 88917, MedGen C4746986, MONDO:0010520, OMIM 301050.

Submission:

Servicio Canario de Salud, Hospital Universitario Nuestra Sra. de Candelaria
Classification: Likely pathogenic for X-linked Alport syndrome. Last evaluated: 2024-09-10. Review status: criteria provided, single submitter. Criteria: ACMG Guidelines, 2015. Collection method: clinical testing. Allele origin: maternal. Inheritance: X-linked dominant inheritance. Affected: yes. Observed: 1 heterozygote.
Comment: This variant has never been reported in COL4A5 related-disorders. In addition, the variants c.1895G>T, p.(Gly632Val) (ClinVar Id: 2138697) have been reported as pathogenic and c.1895G>A, p.(Gly632Asp) (ClinVar Id: 2684109) as probably pathogenic/pathogenic, both affecting to the same amino acid. Most pathogenic variants in COL4A5 affect a glycine residue in the conserved Gly-Xaa-Yaa repeat sequence in the triple helix domain. This variant was absent from large population studies (gnomAD no frequency). In summary, the available evidence for c.1894G>A, p.(Gly632Ser) COL4A5 variant meets our criteria to be classified as Likely Pathogenic based upon its absence from controls and the clinical correlation in this family´s phenotype.

NM_033380.3(COL4A5):c.1894G>A (p.Gly632Ser)

Gene: COL4A5 (collagen type IV alpha 5 chain; plus strand). Cytogenetic location: Xq22.3.
Variant type: single nucleotide variant.
Coding change: c.1894G>A on transcript NM_033380.3 (MANE Select); coding-DNA position 1894, G replaced by A.
Protein change: p.Gly632Ser; replaces glycine 632 with serine.
Molecular consequence: missense variant.
Genome position (GRCh38, 1-based): chrX:108,598,816, G>A. VCF-style: chrX-108598816-G-A. GRCh37 (hg19) VCF-style: chrX-107842046-G-A.
Other names: c.1894G>A, p.Gly632Ser (NM_000495.5); short protein forms G632S.
Identifiers: ClinVar variation 3340120 (VCV003340120.1).